The following is an entry in ClinVar:

NM_004608.4(TBX6):c.440A>T (p.Asp147Val)

Gene: TBX6 (T-box transcription factor 6; minus strand). Cytogenetic location: 16p11.2.
Variant type: single nucleotide variant.
Coding change: c.440A>T on transcript NM_004608.4 (MANE Select); coding-DNA position 440, A replaced by T.
Protein change: p.Asp147Val; replaces aspartic acid 147 with valine.
Molecular consequence: missense variant.
Genome position (GRCh38, 1-based): chr16:30,089,124, T>A on the plus strand (A>T on the coding strand, the complement: TBX6 is on the minus strand). VCF-style: chr16-30089124-T-A. GRCh37 (hg19) VCF-style: chr16-30100445-T-A.
Other names: short protein forms D147V.
Identifiers: ClinVar variation 694405 (VCV000694405.1), dbSNP rs1596853022, ClinGen allele CA395520198.

ClinVar aggregate classification (germline): Uncertain significance (1 of 4 stars; one submission).

Conditions:
Scoliosis. Identifiers: MedGen C0036439, MONDO:0005392, HP:0002650.

Submission:

Beijing Key Laboratory for Genetic Research of Skeletal Deformity, Peking Union Medical College Hospital
Classification: Uncertain significance for scoliosis. Last evaluated: 2019-08-01. Review status: criteria provided, single submitter. Criteria: ACMG Guidelines, 2015. Collection method: research. Allele origin: germline. Affected: yes. Observed: 1 variant allele.
Comment: This variant may contribute to congenital scoliosis development

Literature cited by the submitters: PubMed 25564734.